The following is an entry in ClinVar:

NM_001330311.2(DVL1):c.1702C>T (p.Gln568Ter)

Genes: DVL1 (dishevelled segment polarity protein 1; minus strand), LOC129929114 (ATAC-STARR-seq lymphoblastoid silent region 61; plus strand). Cytogenetic location: 1p36.33.
Variant type: single nucleotide variant.
Coding change: c.1702C>T on transcript NM_001330311.2 (MANE Select); coding-DNA position 1702, C replaced by T.
Protein change: p.Gln568Ter; replaces glutamine 568 with a stop codon.
Molecular consequence: nonsense.
Genome position (GRCh38, 1-based): chr1:1,337,989, G>A on the plus strand (C>T on the coding strand, the complement: DVL1 is on the minus strand). VCF-style: chr1-1337989-G-A. GRCh37 (hg19) VCF-style: chr1-1273369-G-A.
Other names: c.1627C>T, p.Gln543Ter (NM_004421.3); short protein forms Q568*, Q543*.
Identifiers: ClinVar variation 5001189 (VCV005001189.1).
Genomic context (GRCh38, chr1:1,337,989, plus strand): 5'-GAGCTGGGGGCGGAGCCGGGGAAGGGCAGGTAGGGGCGGCGTTCTCACCTTCACTCTGCT[G>A]ACTCCCGGTGCTGCCGCTGCCATAGCTAAAGCCCGGGTCCTGGTAGGCAGGCGGGAAGCA-3'

ClinVar aggregate classification (germline): Uncertain significance (1 of 4 stars; one submission).

Conditions:
DVL1-related disorder. Also called: DVL1-related condition.

Submission:

PreventionGenetics, part of Exact Sciences
Classification: Uncertain significance for DVL1-related condition. Last evaluated: 2025-01-23. Review status: criteria provided, single submitter. Criteria: ACMG Guidelines, 2015. Collection method: clinical testing. Allele origin: germline.
Comment: The DVL1 c.1627C>T variant is predicted to result in premature protein termination (p.Gln543*). To our knowledge, this variant has not been reported in the literature or in a large population database (gnomAD), indicating this variant is rare. At this time, the clinical significance of this variant is uncertain due to the absence of conclusive functional and genetic evidence.